The following is an entry in ClinVar:

ClinVar aggregate classification (germline): Pathogenic (1 of 4 stars; one submission).

Conditions:
Nephronophthisis. Also called: Juvenile Nephronophthisis. Identifiers: Orphanet 655, MedGen C0687120, MONDO:0019005, HP:0000090.

Submission:

Labcorp Genetics (formerly Invitae), Labcorp
Classification: Pathogenic for Nephronophthisis. Last evaluated: 2025-06-02. Review status: criteria provided, single submitter. Criteria: Invitae Variant Classification Sherloc (09022015). Collection method: clinical testing. Allele origin: germline.
Comment: This sequence change creates a premature translational stop signal (p.Ser599Lysfs*3) in the NPHP1 gene. It is expected to result in an absent or disrupted protein product. Loss-of-function variants in NPHP1 are known to be pathogenic (PMID: 23559409). This variant is not present in population databases (gnomAD no frequency). This variant has not been reported in the literature in individuals affected with NPHP1-related conditions. ClinVar contains an entry for this variant (Variation ID: 2115519). For these reasons, this variant has been classified as Pathogenic.

Literature cited by the submitters: PubMed 23559409.

NM_001128178.3(NPHP1):c.1628_1635del (p.Ser543fs)

Gene: NPHP1 (nephrocystin 1; minus strand). Cytogenetic location: 2q13.
Variant type: Deletion.
Coding change: c.1628_1635del on transcript NM_001128178.3 (MANE Select); coding-DNA positions 1628 to 1635, 8 bases deleted (GCTTGCAA; older notation c.1628_1635delGCTTGCAA).
Protein change: p.Ser543fs; shifts the reading frame from serine 543.
Molecular consequence: frameshift variant.
Genome position (GRCh38, 1-based): chr2:110,131,686-110,131,693, TTGCAAGC deleted on the plus strand (GCTTGCAA on the coding strand, the reverse complement: NPHP1 is on the minus strand); deleting any 8 consecutive bases within chr2:110,131,686-110,131,694 gives the same sequence; the c. name uses the placement nearest the transcript's 3' end. VCF-style (leftmost placement, unchanged base first): chr2-110131685-TTTGCAAGC-T. GRCh37 (hg19) VCF-style: chr2-110889262-TTTGCAAGC-T.
Other names: c.1796_1803del, p.Ser599fs (NM_000272.5); c.1439_1446del, p.Ser480fs (NM_001128179.3); c.1625_1632del, p.Ser542fs (NM_001374256.1); c.1628_1635del, p.Ser543fs (NM_001374257.1); c.1793_1800del, p.Ser598fs (NM_207181.4); short protein forms S543fs, S598fs, S480fs, S542fs, S599fs.
Identifiers: ClinVar variation 2115519 (VCV002115519.4), dbSNP rs2467168254, ClinGen allele CA2580063739.
Genomic context (GRCh38, chr2:110,131,685, plus strand): 5'-TTACTCAGAGTATGAAGCATTACTGCACATAAGGAAGTGGCAAAGCCCACTTACCAGTAC[TTTGCAAGC>T]TCATCCTGTCTTTCAGGAGCACATCTCCAAGAATTTGTCGATAAAATATCAACAAGTGAA-3'